The following is an entry in ClinVar:

ClinVar aggregate classification (germline): Uncertain significance (1 of 4 stars; one submission).

Conditions:
PLXNA2-related disorder. Also called: PLXNA2-related condition.

gnomAD v4.1: 2 of 1,614,042 alleles (0.00012%); highest among the groups gnomAD compares: South Asian, 0.0022%; no homozygotes.

Submission:

PreventionGenetics, part of Exact Sciences
Classification: Uncertain significance for PLXNA2-related condition. Last evaluated: 2026-04-29. Review status: criteria provided, single submitter. Criteria: ACMG Guidelines, 2015. Collection method: clinical testing. Allele origin: germline.
Comment: The PLXNA2 c.1309T>C variant is predicted to result in the amino acid substitution p.Ser437Pro. To our knowledge, this variant has not been reported in the literature. This variant is reported in 0.0033% of alleles in individuals of South Asian descent in gnomAD. At this time, the clinical significance of this variant is uncertain due to the absence of conclusive functional and genetic evidence.

NM_025179.4(PLXNA2):c.1309T>C (p.Ser437Pro)

Gene: PLXNA2 (plexin A2; minus strand). Cytogenetic location: 1q32.2.
Variant type: single nucleotide variant.
Coding change: c.1309T>C on transcript NM_025179.4 (MANE Select); coding-DNA position 1309, T replaced by C.
Protein change: p.Ser437Pro; replaces serine 437 with proline.
Molecular consequence: missense variant.
Genome position (GRCh38, 1-based): chr1:208,210,342, A>G on the plus strand (T>C on the coding strand, the complement: PLXNA2 is on the minus strand). VCF-style: chr1-208210342-A-G. GRCh37 (hg19) VCF-style: chr1-208383687-A-G.
Other names: short protein forms S437P.
Identifiers: ClinVar variation 4993873 (VCV004993873.1).
Genomic context (GRCh38, chr1:208,210,342, plus strand): 5'-TTTTCAGCTTGCCACTCTTAGTCCCCACAAAAACCACGCTGTAGCCGTTGTAAACGTAGG[A>G]GGCCACAGAGGTCATGCGGTCCCTGCTGGTGGTGTACAGGGTCAGGCCCTCCACTGGAGT-3'
Protein context (NP_079455.3, residues 427-447): TSRDRMTSVA[Ser437Pro]YVYNGYSVVF